The following is an entry in ClinVar:

ClinVar aggregate classification (germline): Uncertain significance. Review status: criteria provided, multiple submitters, no conflicts (2 of 4 stars). 2 submissions from 2 submitters: Uncertain significance (2). Last evaluated 2024-04-30.

Conditions:
Inborn genetic diseases. Identifiers: MedGen C0950123, MeSH D030342.

Allele frequency attached by ClinVar (database versions not stated): gnomAD exomes 0.00001; TOPMed 0.00001; gnomAD 0.00003.
gnomAD v4.1: 17 of 1,613,246 alleles (0.0011%); highest among the groups gnomAD compares: Admixed American, 0.018%; no homozygotes.

Submissions (2):

Labcorp Genetics (formerly Invitae), Labcorp
Classification: Uncertain significance. Last evaluated: 2024-04-30. Review status: criteria provided, single submitter. Criteria: Invitae Variant Classification Sherloc (09022015). Collection method: clinical testing. Allele origin: germline.
Comment: This sequence change replaces threonine, which is neutral and polar, with isoleucine, which is neutral and non-polar, at codon 492 of the AP3B2 protein (p.Thr492Ile). This variant is present in population databases (no rsID available, gnomAD 0.02%). This variant has not been reported in the literature in individuals affected with AP3B2-related conditions. ClinVar contains an entry for this variant (Variation ID: 2061125). An algorithm developed to predict the effect of missense changes on protein structure and function (PolyPhen-2) suggests that this variant¬†is likely to be tolerated. In summary, the available evidence is currently insufficient to determine the role of this variant in disease. Therefore, it has been classified as a Variant of Uncertain Significance.

Ambry Genetics
Classification: Uncertain significance for Inborn genetic diseases. Last evaluated: 2023-12-14. Review status: criteria provided, single submitter. Criteria: Ambry Variant Classification Scheme 2023. Collection method: clinical testing. Allele origin: germline.

NM_001278512.2(AP3B2):c.1475C>T (p.Thr492Ile)

Genes: AP3B2 (adaptor related protein complex 3 subunit beta 2; minus strand), CPEB1-AS1 (CPEB1 antisense RNA 1; plus strand). Cytogenetic location: 15q25.2.
Variant type: single nucleotide variant.
Coding change: c.1475C>T on transcript NM_001278512.2 (MANE Select); coding-DNA position 1475, C replaced by T.
Protein change: p.Thr492Ile; replaces threonine 492 with isoleucine.
Molecular consequence: missense variant.
Genome position (GRCh38, 1-based): chr15:82,677,287, G>A on the plus strand (C>T on the coding strand, the complement: AP3B2 is on the minus strand). VCF-style: chr15-82677287-G-A. GRCh37 (hg19) VCF-style: chr15-83346039-G-A.
Other names: c.1379C>T, p.Thr460Ile (NM_001278511.2); c.1475C>T, p.Thr492Ile (NM_004644.5); c.1475C>T (NM_004644.3); short protein forms T460I, T492I.
Identifiers: ClinVar variation 2061125 (VCV002061125.4), dbSNP rs1314553097, ClinGen allele CA393315745.
Genomic context (GRCh38, chr15:82,677,287, plus strand): 5'-TGGGGAGGACCTTGAAGTGGGGAGTGAAAATATGGCTTCTCCCTCACCTGGATGTTGTCT[G>A]TAAGCTTTGCCAAGTGTTTGATGATCTCTCCATGTTGTGCTGGCTGCATCTGTAGCAATT-3'
Protein context (NP_001265441.1, residues 482-502): GEIIKHLAKL[Thr492Ile]DNIQVPMARA